The following is an entry in ClinVar:

NR_033294.2(SNORD118):n.57G>A

Genes: TMEM107 (transmembrane protein 107; minus strand), SNORD118 (small nucleolar RNA, C/D box 118; minus strand). Cytogenetic location: 17p13.1.
Variant type: single nucleotide variant.
Molecular consequence: non-coding transcript variant (on NR_033294.2). On other transcripts: 3 prime UTR variant (5).
Genome position: GRCh38 VCF-style: chr17-8173532-C-T. GRCh37 (hg19) VCF-style: chr17-8076850-C-T.
Other names: c.*671G>A (NM_001351278.2, NM_001351279.2, NM_001351280.2 and 2 more transcripts).
Identifiers: ClinVar variation 265786 (VCV000265786.4), dbSNP rs886039784, ClinGen allele CA10588828.

ClinVar aggregate classification (germline): Uncertain significance. Review status: criteria provided, single submitter (1 of 4 stars). 3 submissions from 3 submitters: Uncertain significance (1). 2 of the submissions do not count toward it. Last evaluated 2022-02-28.

Conditions:
Leukoencephalopathy with calcifications and cysts. Also called: LABRUNE SYNDROME; Leukoencephalopathy, brain calcifications, and cysts. Identifiers: Orphanet 542310, MedGen C3281200, MONDO:0013803, OMIM 614561.

Allele frequency attached by ClinVar (database versions not stated): gnomAD 0.00003 and 0.00004; gnomAD exomes 0.00003; TOPMed 0.00003.
gnomAD v4.1: 23 of 765,316 alleles (0.003%); highest among the groups gnomAD compares: South Asian, 0.0054%; no homozygotes.

Submissions (3):

Labcorp Genetics (formerly Invitae), Labcorp
Classification: Uncertain significance. Last evaluated: 2022-02-28. Review status: criteria provided, single submitter. Criteria: Invitae Variant Classification Sherloc (09022015). Collection method: clinical testing. Allele origin: germline.
Comment: In summary, the available evidence is currently insufficient to determine the role of this variant in disease. Therefore, it has been classified as a Variant of Uncertain Significance. Experimental studies have shown that this variant affects SNORD118 function (PMID: 27571260). Algorithms developed to predict the effect of variants on protein structure and function are not available or were not evaluated for this variant. ClinVar contains an entry for this variant (Variation ID: 265786). This variant has been observed in individuals with leukoencephalopathy with calcifications and cysts (PMID: 27571260, 29984895, 33029936). This variant is present in population databases (no rsID available, gnomAD 0.004%). This variant occurs in the SNORD118 gene, which encodes an RNA molecule that does not result in a protein product.

Laboratory of Neurogenetics and Neuroinflammation, Institut Imagine
Classification: Pathogenic for Leukoencephalopathy, brain calcifications, and cysts. Last evaluated: 2020-04-06. Review status: no assertion criteria provided. Collection method: clinical testing. Allele origin: germline. Affected: yes. Observed: 2 variant alleles. Not counted in ClinVar's aggregate classification.

OMIM
Classification: Pathogenic for LEUKOENCEPHALOPATHY, BRAIN CALCIFICATIONS, AND CYSTS. Last evaluated: 2016-10-10. Review status: no assertion criteria provided. Collection method: literature only. Allele origin: germline. Not counted in ClinVar's aggregate classification.

Literature cited by the submitters: PubMed 27571260 (cited by Labcorp Genetics (formerly Invitae), Labcorp and OMIM); PubMed 29984895 (cited by Labcorp Genetics (formerly Invitae), Labcorp and Laboratory of Neurogenetics and Neuroinflammation, Institut Imagine); PubMed 33029936 (cited by Labcorp Genetics (formerly Invitae), Labcorp).